The following is an entry in ClinVar:

NM_031229.4(RBCK1):c.697G>C (p.Asp233His)

Gene: RBCK1 (RANBP2-type and C3HC4-type zinc finger containing 1; plus strand). Cytogenetic location: 20p13.
Variant type: single nucleotide variant.
Coding change: c.697G>C on transcript NM_031229.4 (MANE Select); coding-DNA position 697, G replaced by C.
Protein change: p.Asp233His; replaces aspartic acid 233 with histidine.
Molecular consequence: missense variant. On other transcripts: synonymous variant (2), non-coding transcript variant (1).
Genome position (GRCh38, 1-based): chr20:419,672, G>C. VCF-style: chr20-419672-G-C. GRCh37 (hg19) VCF-style: chr20-400316-G-C.
Other names: c.348G>C, p.Pro116= (NM_001323956.2, NM_001323958.2); c.748G>C, p.Asp250His (NM_001410770.1); c.571G>C, p.Asp191His (NM_006462.6); short protein forms D191H, D233H, D250H.
Identifiers: ClinVar variation 1937383 (VCV001937383.5), dbSNP rs1056596650, ClinGen allele CA407925557.

ClinVar aggregate classification (germline): Uncertain significance (1 of 4 stars; one submission).

Conditions:
Polyglucosan body myopathy type 1 (PGBM1). Also called: POLYGLUCOSAN BODY MYOPATHY WITHOUT IMMUNODEFICIENCY; Polyglucosan body myopathy 1 with or without immunodeficiency. Identifiers: Orphanet 329173, Orphanet 397937, MedGen C4014605, MONDO:0014389, OMIM 615895.

gnomAD v4.1: 1 of 1,580,820 alleles (0.000063%); highest among the groups gnomAD compares: Admixed American, 0.0018%; no homozygotes.

Submission:

Labcorp Genetics (formerly Invitae), Labcorp
Classification: Uncertain significance for Polyglucosan body myopathy type 1. Last evaluated: 2022-08-21. Review status: criteria provided, single submitter. Criteria: Invitae Variant Classification Sherloc (09022015). Collection method: clinical testing. Allele origin: germline.
Comment: This variant has not been reported in the literature in individuals affected with RBCK1-related conditions. This variant is not present in population databases (gnomAD no frequency). This sequence change replaces aspartic acid, which is acidic and polar, with histidine, which is basic and polar, at codon 233 of the RBCK1 protein (p.Asp233His). In summary, the available evidence is currently insufficient to determine the role of this variant in disease. Therefore, it has been classified as a Variant of Uncertain Significance. Algorithms developed to predict the effect of missense changes on protein structure and function are either unavailable or do not agree on the potential impact of this missense change (SIFT: "Not Available"; PolyPhen-2: "Possibly Damaging"; Align-GVGD: "Not Available").